The following is an entry in ClinVar:

NC_000003.11:g.(?_123003455)_(123512688_?)del

Genes: HACD2 (3-hydroxyacyl-CoA dehydratase 2; minus strand), ADCY5 (adenylate cyclase 5; minus strand), MYLK (myosin light chain kinase; minus strand). Cytogenetic location: 3q21.1.
Variant type: Deletion.
Identifiers: ClinVar variation 2427159 (VCV002427159.4).

ClinVar aggregate classification (germline): Pathogenic (1 of 4 stars; one submission).

Conditions:
Aortic aneurysm, familial thoracic 7 (AAT7). Also called: AORTIC DISSECTION, FAMILIAL, WITH OR WITHOUT AORTIC ANEURYSM. Identifiers: MedGen C3151077, MONDO:0013418, OMIM 613780.

Submission:

Labcorp Genetics (formerly Invitae), Labcorp
Classification: Pathogenic for Aortic aneurysm, familial thoracic 7. Last evaluated: 2022-09-27. Review status: criteria provided, single submitter. Criteria: Invitae Variant Classification Sherloc (09022015). Collection method: clinical testing. Allele origin: germline.
Comment: For these reasons, this variant has been classified as Pathogenic. This variant has not been reported in the literature in individuals affected with MYLK-related conditions. A gross deletion of the genomic region encompassing the full coding sequence of the MYLK gene has been identified. Loss-of-function variants in MYLK are known to be pathogenic (PMID: 21055718, 28602422). The boundaries of this event are unknown as they extend beyond the assayed region for this gene and therefore may encompass additional genes.

Literature cited by the submitters: PubMed 21055718; PubMed 28602422.